The following is an entry in ClinVar:

ClinVar aggregate classification (germline): Likely benign (1 of 4 stars; one submission).

Allele frequency attached by ClinVar (database versions not stated): ExAC 0.00025; gnomAD 0.00028; TOPMed 0.00032; ESP Exome Variant Server 0.00046.
gnomAD v4.1: 560 of 1,471,070 alleles (0.038%); highest among the groups gnomAD compares: Non-Finnish European, 0.048%; no homozygotes.

Submission:

CeGaT Center for Human Genetics Tuebingen
Classification: Likely benign. Last evaluated: 2023-04-01. Review status: criteria provided, single submitter. Criteria: CeGaT Center For Human Genetics Tuebingen Variant Classification Criteria Version 2. Collection method: clinical testing. Allele origin: germline. Affected: yes. Observed: 1 variant allele.
Comment: UNC45B: BP4, BP7

NM_001267052.2(UNC45B):c.1389G>A (p.Val463=)

Gene: UNC45B (unc-45 myosin chaperone B; plus strand). Cytogenetic location: 17q12.
Variant type: single nucleotide variant.
Coding change: c.1389G>A on transcript NM_001267052.2 (MANE Select); coding-DNA position 1389, G replaced by A.
Protein change: p.Val463=; no amino-acid change (valine 463 retained).
Molecular consequence: synonymous variant.
Genome position (GRCh38, 1-based): chr17:35,168,298, G>A. VCF-style: chr17-35168298-G-A. GRCh37 (hg19) VCF-style: chr17-33495317-G-A.
Other names: c.1389G>A, p.Val463= (NM_001033576.2, NM_001308281.1, NM_173167.3).
Identifiers: ClinVar variation 2647663 (VCV002647663.24), dbSNP rs144405707, ClinGen allele CA8501123.
Genomic context (GRCh38, chr17:35,168,298, plus strand): 5'-GGCCCTCATCCATGCCTCCACGAAGCTCAGCCGCGCCACCTTCATCATCACCAATGGAGT[G>A]TCACTGCTCAAACAGATCTACAAGACCACCAAAAATGAGAAGATCAAGATCCGCACACTG-3'
Protein context (NP_001253981.1, residues 453-473): SRATFIITNG[Val463=]SLLKQIYKTT